The following is an entry in ClinVar:

ClinVar aggregate classification (germline): Uncertain significance. Review status: criteria provided, multiple submitters, no conflicts (2 of 4 stars). 2 submissions from 2 submitters: Uncertain significance (2). Last evaluated 2024-11-06.

Submissions (2):

Women's Health and Genetics/Laboratory Corporation of America, LabCorp
Classification: Uncertain significance. Last evaluated: 2024-11-06. Review status: criteria provided, single submitter. Criteria: LabCorp Variant Classification Summary - May 2015. Collection method: clinical testing. Allele origin: germline.
Comment: Variant summary: ABCC6 c.2926G>A (p.Ala976Thr) results in a non-conservative amino acid change in the encoded protein sequence. Four of five in-silico tools predict a benign effect of the variant on protein function. The frequency data for this variant in gnomAD is considered unreliable, as metrics indicate poor data quality at this position. To our knowledge, no occurrence of c.2926G>A in individuals affected with Pseudoxanthoma Elasticum and no experimental evidence demonstrating its impact on protein function have been reported. ClinVar contains an entry for this variant (Variation ID: 1501710). Based on the evidence outlined above, the variant was classified as uncertain significance.

Labcorp Genetics (formerly Invitae), Labcorp
Classification: Uncertain significance. Last evaluated: 2022-10-17. Review status: criteria provided, single submitter. Criteria: Invitae Variant Classification Sherloc (09022015). Collection method: clinical testing. Allele origin: germline.
Comment: In summary, the available evidence is currently insufficient to determine the role of this variant in disease. Therefore, it has been classified as a Variant of Uncertain Significance. Advanced modeling of protein sequence and biophysical properties (such as structural, functional, and spatial information, amino acid conservation, physicochemical variation, residue mobility, and thermodynamic stability) performed at Invitae indicates that this missense variant is not expected to disrupt ABCC6 protein function. ClinVar contains an entry for this variant (Variation ID: 1501710). This variant has not been reported in the literature in individuals affected with ABCC6-related conditions. This variant is not present in population databases (gnomAD no frequency). This sequence change replaces alanine, which is neutral and non-polar, with threonine, which is neutral and polar, at codon 976 of the ABCC6 protein (p.Ala976Thr).

NM_001171.6(ABCC6):c.2926G>A (p.Ala976Thr)

Gene: ABCC6 (ATP binding cassette subfamily C member 6; minus strand). Cytogenetic location: 16p13.11.
Variant type: single nucleotide variant.
Coding change: c.2926G>A on transcript NM_001171.6 (MANE Select); coding-DNA position 2926, G replaced by A.
Protein change: p.Ala976Thr; replaces alanine 976 with threonine.
Molecular consequence: missense variant. On other transcripts: non-coding transcript variant (1).
Genome position (GRCh38, 1-based): chr16:16,169,715, C>T on the plus strand (G>A on the coding strand, the complement: ABCC6 is on the minus strand). VCF-style: chr16-16169715-C-T. GRCh37 (hg19) VCF-style: chr16-16263572-C-T.
Other names: c.2584G>A, p.Ala862Thr (NM_001351800.1); short protein forms A862T, A976T.
Identifiers: ClinVar variation 1501710 (VCV001501710.9), dbSNP rs1310683915, ClinGen allele CA394884476.